The following is an entry in ClinVar:

ClinVar aggregate classification (germline): Uncertain significance. Review status: criteria provided, multiple submitters, no conflicts (2 of 4 stars). 2 submissions from 2 submitters: Uncertain significance (2). Last evaluated 2020-08-17.

Submissions (2):

Revvity Omics, Revvity
Classification: Uncertain significance. Last evaluated: 2020-08-17. Review status: criteria provided, single submitter. Criteria: ACMG Guidelines, 2015. Collection method: clinical testing. Allele origin: germline.

Laboratory for Molecular Medicine, Mass General Brigham Personalized Medicine
Classification: Uncertain significance. Last evaluated: 2017-03-30. Review status: criteria provided, single submitter. Criteria: LMM Criteria. Collection method: clinical testing. Allele origin: germline. Observed: 1 variant allele.
Comment: Variant classified as Uncertain Significance - Favor Benign. The p.Ala29347Val v ariant in TTN has not been previously reported in individuals with cardiomyopath y or in large population studies. Alanine (Ala) at position 29347 is not well co nserved in mammals or evolutionarily distant species, and 1 mammal and 13 other species carry a valine (Val), raising the possibility that this change may be to lerated. Additional computational prediction tools suggest that the p.Ala29347Va l variant may not impact the protein, though this information is not predictive enough to rule out pathogenicity. In summary, while the clinical significance of the p.Ala29347Val variant is uncertain, these data suggest that it is more like ly to be benign.

NM_001267550.2(TTN):c.95744C>T (p.Ala31915Val)

Genes: TTN (titin; minus strand), TTN-AS1 (TTN antisense RNA 1; plus strand). Cytogenetic location: 2q31.2.
Variant type: single nucleotide variant.
Coding change: c.95744C>T on transcript NM_001267550.2 (MANE Select); coding-DNA position 95744, C replaced by T.
Protein change: p.Ala31915Val; replaces alanine 31915 with valine.
Molecular consequence: missense variant.
Genome position (GRCh38, 1-based): chr2:178,544,485, G>A on the plus strand (C>T on the coding strand, the complement: TTN is on the minus strand). VCF-style: chr2-178544485-G-A. GRCh37 (hg19) VCF-style: chr2-179409212-G-A.
Other names: c.88040C>T, p.Ala29347Val (NM_133378.4); c.90821C>T, p.Ala30274Val (NM_001256850.1); c.68549C>T, p.Ala22850Val (NM_003319.4); c.68924C>T, p.Ala22975Val (NM_133432.3); c.69125C>T, p.Ala23042Val (NM_133437.4); short protein forms A29347V, A31915V, A22975V, A22850V, A23042V, A30274V.
Identifiers: ClinVar variation 517349 (VCV000517349.8), dbSNP rs1553519431, ClinGen allele CA349458244.